The following is an entry in ClinVar:

NM_004995.4(MMP14):c.655G>A (p.Glu219Lys)

Gene: MMP14 (matrix metallopeptidase 14; plus strand). Cytogenetic location: 14q11.2.
Variant type: single nucleotide variant.
Coding change: c.655G>A on transcript NM_004995.4 (MANE Select); coding-DNA position 655, G replaced by A.
Protein change: p.Glu219Lys; replaces glutamic acid 219 with lysine.
Molecular consequence: missense variant.
Genome position (GRCh38, 1-based): chr14:22,842,684, G>A. VCF-style: chr14-22842684-G-A. GRCh37 (hg19) VCF-style: chr14-23311893-G-A.
Other names: short protein forms E219K.
Identifiers: ClinVar variation 3654816 (VCV003654816.2).

ClinVar aggregate classification (germline): Uncertain significance (1 of 4 stars; one submission).

gnomAD v4.1: 3 of 1,611,806 alleles (0.00019%); highest among the groups gnomAD compares: South Asian, 0.0011%; no homozygotes.

Submission:

Labcorp Genetics (formerly Invitae), Labcorp
Classification: Uncertain significance. Last evaluated: 2024-06-03. Review status: criteria provided, single submitter. Criteria: Invitae Variant Classification Sherloc (09022015). Collection method: clinical testing. Allele origin: germline.
Comment: This sequence change replaces glutamic acid, which is acidic and polar, with lysine, which is basic and polar, at codon 219 of the MMP14 protein (p.Glu219Lys). This variant is not present in population databases (gnomAD no frequency). This variant has not been reported in the literature in individuals affected with MMP14-related conditions. Advanced modeling of protein sequence and biophysical properties (such as structural, functional, and spatial information, amino acid conservation, physicochemical variation, residue mobility, and thermodynamic stability) performed at Invitae indicates that this missense variant is expected to disrupt MMP14 protein function with a positive predictive value of 80%. In summary, the available evidence is currently insufficient to determine the role of this variant in disease. Therefore, it has been classified as a Variant of Uncertain Significance.